The following is an entry in ClinVar:

ClinVar aggregate classification (germline): Uncertain significance. Review status: criteria provided, multiple submitters, no conflicts (2 of 4 stars). 3 submissions from 3 submitters: Uncertain significance (3). Last evaluated 2025-02-18.

Conditions:
BAP1-related tumor predisposition syndrome (TPDS1). Also called: Tumor susceptibility linked to germline BAP1 mutations; BAP1 tumor predisposition syndrome; TUMOR PREDISPOSITION SYNDROME 1; COMMON Syndrome. Identifiers: Orphanet 289539, MedGen C3280492, MONDO:0013692, OMIM 614327.
Hereditary cancer-predisposing syndrome. Also called: Neoplastic Syndromes, Hereditary; Tumor predisposition; Hereditary neoplastic syndrome; Hereditary Cancer Syndrome. Identifiers: Orphanet 140162, MedGen C0027672, MeSH D009386, MONDO:0015356.

Allele frequency attached by ClinVar (database versions not stated): gnomAD exomes below 0.00001.

Submissions (3):

Labcorp Genetics (formerly Invitae), Labcorp
Classification: Uncertain significance for BAP1-related tumor predisposition syndrome. Last evaluated: 2025-02-18. Review status: criteria provided, single submitter. Criteria: Invitae Variant Classification Sherloc (09022015). Collection method: clinical testing. Allele origin: germline.
Comment: This sequence change replaces valine, which is neutral and non-polar, with isoleucine, which is neutral and non-polar, at codon 24 of the BAP1 protein (p.Val24Ile). This variant is not present in population databases (gnomAD no frequency). This variant has not been reported in the literature in individuals affected with BAP1-related conditions. ClinVar contains an entry for this variant (Variation ID: 3240848). An algorithm developed to predict the effect of missense changes on protein structure and function (PolyPhen-2) suggests that this variant is likely to be tolerated. In summary, the available evidence is currently insufficient to determine the role of this variant in disease. Therefore, it has been classified as a Variant of Uncertain Significance.

Ambry Genetics
Classification: Uncertain significance for Hereditary cancer-predisposing syndrome. Last evaluated: 2025-02-16. Review status: criteria provided, single submitter. Criteria: Ambry Variant Classification Scheme 2023. Collection method: clinical testing. Allele origin: germline.
Comment: The p.V24I variant (also known as c.70G>A), located in coding exon 3 of the BAP1 gene, results from a G to A substitution at nucleotide position 70. The valine at codon 24 is replaced by isoleucine, an amino acid with highly similar properties. This amino acid position is conserved. In addition, the in silico prediction for this alteration is inconclusive. Based on the available evidence, the clinical significance of this variant remains unclear.

Baylor Genetics
Classification: Uncertain significance for BAP1-related tumor predisposition syndrome. Last evaluated: 2024-03-11. Review status: criteria provided, single submitter. Criteria: ACMG Guidelines, 2015. Collection method: clinical testing. Allele origin: unknown.

NM_004656.4(BAP1):c.70G>A (p.Val24Ile)

Gene: BAP1 (BRCA1 associated deubiquitinase 1; minus strand). Cytogenetic location: 3p21.1.
Variant type: single nucleotide variant.
Coding change: c.70G>A on transcript NM_004656.4 (MANE Select); coding-DNA position 70, G replaced by A.
Protein change: p.Val24Ile; replaces valine 24 with isoleucine.
Molecular consequence: missense variant.
Genome position (GRCh38, 1-based): chr3:52,409,606, C>T on the plus strand (G>A on the coding strand, the complement: BAP1 is on the minus strand). VCF-style: chr3-52409606-C-T. GRCh37 (hg19) VCF-style: chr3-52443622-C-T.
Other names: c.70G>A, p.Val24Ile (NM_001410772.1); short protein forms V24I.
Identifiers: ClinVar variation 3240848 (VCV003240848.4), dbSNP rs2153228555.